The following is an entry in ClinVar:

ClinVar aggregate classification (germline): Uncertain significance (1 of 4 stars; one submission).

Conditions:
KBG syndrome (KBGS). Also called: ANKRD11-Related KBG Syndrome. Identifiers: Orphanet 2332, MedGen C0220687, MONDO:0007846, OMIM 148050.

gnomAD v4.1: 7 of 1,613,756 alleles (0.00043%); highest among the groups gnomAD compares: Admixed American, 0.0033%; no homozygotes.

Submission:

Labcorp Genetics (formerly Invitae), Labcorp
Classification: Uncertain significance for KBG syndrome. Last evaluated: 2025-07-13. Review status: criteria provided, single submitter. Criteria: Invitae Variant Classification Sherloc (09022015). Collection method: clinical testing. Allele origin: germline.
Comment: This sequence change replaces alanine, which is neutral and non-polar, with threonine, which is neutral and polar, at codon 1740 of the ANKRD11 protein (p.Ala1740Thr). This variant is present in population databases (rs764052859, gnomAD 0.006%). This variant has not been reported in the literature in individuals affected with ANKRD11-related conditions. Invitae Evidence Modeling of protein sequence and biophysical properties (such as structural, functional, and spatial information, amino acid conservation, physicochemical variation, residue mobility, and thermodynamic stability) indicates that this missense variant is not expected to disrupt ANKRD11 protein function with a negative predictive value of 95%. In summary, the available evidence is currently insufficient to determine the role of this variant in disease. Therefore, it has been classified as a Variant of Uncertain Significance.

NM_013275.6(ANKRD11):c.5218G>A (p.Ala1740Thr)

Gene: ANKRD11 (ankyrin repeat domain 11; minus strand). Cytogenetic location: 16q24.3.
Variant type: single nucleotide variant.
Coding change: c.5218G>A on transcript NM_013275.6 (MANE Select); coding-DNA position 5218, G replaced by A.
Protein change: p.Ala1740Thr; replaces alanine 1740 with threonine.
Molecular consequence: missense variant.
Genome position (GRCh38, 1-based): chr16:89,281,324, C>T on the plus strand (G>A on the coding strand, the complement: ANKRD11 is on the minus strand). VCF-style: chr16-89281324-C-T. GRCh37 (hg19) VCF-style: chr16-89347732-C-T.
Other names: c.5218G>A, p.Ala1740Thr (NM_001256182.2, NM_001256183.2); short protein forms A1740T.
Identifiers: ClinVar variation 4802792 (VCV004802792.1).